The following is an entry in ClinVar:

ClinVar aggregate classification (germline): Uncertain significance (1 of 4 stars; one submission).

Conditions:
Neutral lipid storage myopathy (NLSDM). Also called: NEUTRAL LIPID STORAGE DISEASE WITHOUT ICHTHYOSIS. Identifiers: Orphanet 98908, MedGen C1853136, MONDO:0012545, OMIM 610717.

Submission:

Labcorp Genetics (formerly Invitae), Labcorp
Classification: Uncertain significance for Neutral lipid storage myopathy. Last evaluated: 2019-03-22. Review status: criteria provided, single submitter. Criteria: Invitae Variant Classification Sherloc (09022015). Collection method: clinical testing. Allele origin: germline.
Comment: This sequence change replaces phenylalanine with leucine at codon 97 of the PNPLA2 protein (p.Phe97Leu). The phenylalanine residue is weakly conserved and there is a small physicochemical difference between phenylalanine and leucine. This variant is not present in population databases (ExAC no frequency). In summary, the available evidence is currently insufficient to determine the role of this variant in disease. Therefore, it has been classified as a Variant of Uncertain Significance. Algorithms developed to predict the effect of missense changes on protein structure and function (SIFT, PolyPhen-2, Align-GVGD) all suggest that this variant is likely to be tolerated, but these predictions have not been confirmed by published functional studies and their clinical significance is uncertain. This variant has not been reported in the literature in individuals with PNPLA2-related disease.

NM_020376.4(PNPLA2):c.291C>A (p.Phe97Leu)

Gene: PNPLA2 (patatin like domain 2, triacylglycerol lipase; plus strand). Cytogenetic location: 11p15.5.
Variant type: single nucleotide variant.
Coding change: c.291C>A on transcript NM_020376.4 (MANE Select); coding-DNA position 291, C replaced by A.
Protein change: p.Phe97Leu; replaces phenylalanine 97 with leucine.
Molecular consequence: missense variant.
Genome position (GRCh38, 1-based): chr11:821,731, C>A. VCF-style: chr11-821731-C-A. GRCh37 (hg19) VCF-style: chr11-821731-C-A.
Other names: short protein forms F97L.
Identifiers: ClinVar variation 581659 (VCV000581659.10), dbSNP rs370529626, ClinGen allele CA378978215.